The following is an entry in ClinVar:

NM_006231.4(POLE):c.3200A>G (p.Gln1067Arg)

Gene: POLE (DNA polymerase epsilon, catalytic subunit; minus strand). Cytogenetic location: 12q24.33.
Variant type: single nucleotide variant.
Coding change: c.3200A>G on transcript NM_006231.4 (MANE Select); coding-DNA position 3200, A replaced by G.
Protein change: p.Gln1067Arg; replaces glutamine 1067 with arginine.
Molecular consequence: missense variant.
Genome position (GRCh38, 1-based): chr12:132,659,370, T>C on the plus strand (A>G on the coding strand, the complement: POLE is on the minus strand). VCF-style: chr12-132659370-T-C. GRCh37 (hg19) VCF-style: chr12-133235956-T-C.
Other names: short protein forms Q1067R.
Identifiers: ClinVar variation 3422081 (VCV003422081.1).
Genomic context (GRCh38, chr12:132,659,370, plus strand): 5'-GAGCCCTCGGGCTTGCGGGAGATGATGTAGCGGCAACTCAGCCCTGCATCCTTGACCATC[T>C]GGTCTCCCAGGAACTCGGCCAGGCGCTTTGCTGTGCTGATGGACGTAGACTTCTGCTCCC-3'
Protein context (NP_006222.2, residues 1057-1077): AKRLAEFLGD[Gln1067Arg]MVKDAGLSCR

ClinVar aggregate classification (germline): Uncertain significance (1 of 4 stars; one submission).

Conditions:
Hereditary cancer-predisposing syndrome. Also called: Neoplastic Syndromes, Hereditary; Tumor predisposition; Hereditary Cancer Syndrome; Hereditary neoplastic syndrome. Identifiers: Orphanet 140162, MedGen C0027672, MeSH D009386, MONDO:0015356.

gnomAD v4.1: 1 of 1,614,242 alleles (0.000062%); highest among the groups gnomAD compares: South Asian, 0.0011%; no homozygotes.

Submission:

Ambry Genetics
Classification: Uncertain significance for Hereditary cancer-predisposing syndrome. Last evaluated: 2024-08-31. Review status: criteria provided, single submitter. Criteria: Ambry Variant Classification Scheme 2023. Collection method: clinical testing. Allele origin: germline.
Comment: The p.Q1067R variant (also known as c.3200A>G), located in coding exon 26 of the POLE gene, results from an A to G substitution at nucleotide position 3200. The glutamine at codon 1067 is replaced by arginine, an amino acid with highly similar properties. This amino acid position is conserved. In addition, the in silico prediction for this alteration is inconclusive. Based on the available evidence, the clinical significance of this variant remains unclear.